The following is an entry in ClinVar:

ClinVar aggregate classification (germline): Uncertain significance (1 of 4 stars; one submission).

Conditions:
Neuroblastoma, susceptibility to, 3. Also called: ALK-Related Neuroblastic Tumor Susceptibility. Identifiers: Orphanet 635, MedGen C2751681, MONDO:0013083, OMIM 613014.

Submission:

Labcorp Genetics (formerly Invitae), Labcorp
Classification: Uncertain significance for Neuroblastoma, susceptibility to, 3. Last evaluated: 2024-02-05. Review status: criteria provided, single submitter. Criteria: Invitae Variant Classification Sherloc (09022015). Collection method: clinical testing. Allele origin: germline.
Comment: This variant, c.3048_3050del, results in the deletion of 1 amino acid(s) of the ALK protein (p.Glu1016del), but otherwise preserves the integrity of the reading frame. This variant is not present in population databases (gnomAD no frequency). This variant has not been reported in the literature in individuals affected with ALK-related conditions. Experimental studies and prediction algorithms are not available or were not evaluated, and the functional significance of this variant is currently unknown. In summary, the available evidence is currently insufficient to determine the role of this variant in disease. Therefore, it has been classified as a Variant of Uncertain Significance.

NM_004304.5(ALK):c.3048_3050del (p.Glu1016del)

Gene: ALK (ALK receptor tyrosine kinase; minus strand). Cytogenetic location: 2p23.2.
Variant type: Deletion.
Coding change: c.3048_3050del on transcript NM_004304.5 (MANE Select); coding-DNA positions 3048 to 3050, 3 bases deleted (GGA; older notation c.3048_3050delGGA).
Protein change: p.Glu1016del; deletes glutamic acid 1016.
Genome position (GRCh38, 1-based): chr2:29,226,939-29,226,941, TCC deleted on the plus strand (GGA on the coding strand, the reverse complement: ALK is on the minus strand); deleting any 3 consecutive bases within chr2:29,226,939-29,226,943 gives the same sequence; the c. name uses the placement nearest the transcript's 3' end. VCF-style (leftmost placement, unchanged base first): chr2-29226938-ATCC-A. GRCh37 (hg19) VCF-style: chr2-29449804-ATCC-A.
Other names: short protein forms E1016del.
Identifiers: ClinVar variation 3638932 (VCV003638932.2).